The following is an entry in ClinVar:

NM_001197104.2(KMT2A):c.8327G>A (p.Gly2776Asp)

Gene: KMT2A (lysine methyltransferase 2A; plus strand). Cytogenetic location: 11q23.3.
Variant type: single nucleotide variant.
Coding change: c.8327G>A on transcript NM_001197104.2 (MANE Select); coding-DNA position 8327, G replaced by A.
Protein change: p.Gly2776Asp; replaces glycine 2776 with aspartic acid.
Molecular consequence: missense variant.
Genome position (GRCh38, 1-based): chr11:118,504,219, G>A. VCF-style: chr11-118504219-G-A. GRCh37 (hg19) VCF-style: chr11-118374934-G-A.
Other names: c.8417G>A, p.Gly2806Asp (NM_001412597.1); c.8318G>A, p.Gly2773Asp (NM_005933.4); short protein forms G2773D, G2776D, G2806D.
Identifiers: ClinVar variation 3376360 (VCV003376360.1).

ClinVar aggregate classification (germline): Uncertain significance (1 of 4 stars; one submission).

Conditions:
Wiedemann-Steiner syndrome (WDSTS). Also called: Growth deficiency and mental retardation with facial dysmorphism. Identifiers: Orphanet 319182, MedGen C1854630, MONDO:0011518, OMIM 605130.

gnomAD v4.1: 4 of 1,614,010 alleles (0.00025%); highest among the groups gnomAD compares: Non-Finnish European, 0.00034%; no homozygotes.

Submission:

Pittsburgh Clinical Genomics Laboratory, University of Pittsburgh Medical Center
Classification: Uncertain significance for Wiedemann-Steiner syndrome. Last evaluated: 2024-02-06. Review status: criteria provided, single submitter. Criteria: ACMG Guidelines, 2015. Collection method: clinical testing. Allele origin: germline. Inheritance: Autosomal dominant inheritance. Affected: yes.
Comment: This sequence variant is a single nucleotide substitution (G>A) at position 8327 of the coding sequence of the KMT2A gene that results in a glycine to aspartic acid amino acid change at residue 2776 of the lysine methyltransferase 2A protein. This variant is absent from ClinVar and has not been observed in an individual affected by a KMT2A-related disorder in the published literature, to our knowledge. This variant is present in 4 of 780,902 alleles (0.0005%) in the gnomAD v4.0.0 population dataset. Multiple bioinformatic tools predict that this amino acid change would be damaging, and the Gly2776 residue at this position is highly conserved across the vertebrate species examined. Studies examining the functional consequence of this variant have not been published, to our knowledge. At this time, there is insufficient evidence to determine if this variant is pathogenic or benign. Therefore, we consider this a variant of uncertain significance. ACMG Criteria: PM2, PP3